The following is an entry in ClinVar:

NM_000135.4(FANCA):c.145C>G (p.Arg49Gly)

Gene: FANCA (FA complementation group A; minus strand). Cytogenetic location: 16q24.3.
Variant type: single nucleotide variant.
Coding change: c.145C>G on transcript NM_000135.4 (MANE Select); coding-DNA position 145, C replaced by G.
Protein change: p.Arg49Gly; replaces arginine 49 with glycine.
Molecular consequence: missense variant.
Genome position (GRCh38, 1-based): chr16:89,815,921, G>C on the plus strand (C>G on the coding strand, the complement: FANCA is on the minus strand). VCF-style: chr16-89815921-G-C. GRCh37 (hg19) VCF-style: chr16-89882329-G-C.
Other names: c.145C>G (LRG_495t1, NM_000135.3); c.145C>G, p.Arg49Gly (NM_001018112.3, NM_001286167.3, NM_001351830.2); short protein forms R49G.
Identifiers: ClinVar variation 568962 (VCV000568962.6), dbSNP rs929925295, ClinGen allele CA286612195.

ClinVar aggregate classification (germline): Uncertain significance. Review status: criteria provided, multiple submitters, no conflicts (2 of 4 stars). 2 submissions from 2 submitters: Uncertain significance (2). Last evaluated 2022-12-13.

Conditions:
Fanconi anemia (FA). Also called: Fanconi's anemia. Identifiers: Orphanet 84, MedGen C0015625, MeSH D005199, MONDO:0019391.

Allele frequency attached by ClinVar (database versions not stated): gnomAD 0.00001; TOPMed 0.00002.
gnomAD v4.1: 7 of 1,613,970 alleles (0.00043%); highest among the groups gnomAD compares: Middle Eastern, 0.016%; no homozygotes.

Submissions (2):

Quest Diagnostics Nichols Institute San Juan Capistrano
Classification: Uncertain significance. Last evaluated: 2022-12-13. Review status: criteria provided, single submitter. Criteria: Quest Diagnostics criteria. Collection method: clinical testing. Allele origin: unknown.
Comment: The variant has not been reported in the published literature. The frequency of this variant in the general population, 0.0000066 (1/152238 chromosomes), is uninformative in assessment of its pathogenicity. Analysis of this variant using bioinformatics tools for the prediction of the effect of amino acid changes on protein structure and function yielded predictions that this variant is benign. Based on the available information, we are unable to determine the clinical significance of this variant.

Labcorp Genetics (formerly Invitae), Labcorp
Classification: Uncertain significance for Fanconi anemia. Last evaluated: 2021-09-01. Review status: criteria provided, single submitter. Criteria: Invitae Variant Classification Sherloc (09022015). Collection method: clinical testing. Allele origin: germline.
Comment: This sequence change replaces arginine with glycine at codon 49 of the FANCA protein (p.Arg49Gly). The arginine residue is weakly conserved and there is a moderate physicochemical difference between arginine and glycine. This variant is not present in population databases (ExAC no frequency). This variant has not been reported in the literature in individuals affected with FANCA-related conditions. Algorithms developed to predict the effect of missense changes on protein structure and function (SIFT, PolyPhen-2, Align-GVGD) all suggest that this variant is likely to be tolerated. In summary, the available evidence is currently insufficient to determine the role of this variant in disease. Therefore, it has been classified as a Variant of Uncertain Significance.